The following is an entry in ClinVar:

ClinVar aggregate classification (germline): Conflicting classifications of pathogenicity. Review status: criteria provided, conflicting classifications (1 of 4 stars). 4 submissions from 4 submitters: Uncertain significance (3); Likely benign (1). Last evaluated 2025-11-01.

Conditions:
SAG-related disorder. Also called: SAG-related condition; SAG-related disorders.

Allele frequency attached by ClinVar (database versions not stated): gnomAD exomes 0.00002 and 0.00008; ExAC 0.00013; gnomAD 0.00017 and 0.00019; TOPMed 0.00023.
gnomAD v4.1: 55 of 1,604,884 alleles (0.0034%); highest among the groups gnomAD compares: African/African-American, 0.047%; no homozygotes.

Submissions (4):

CeGaT Center for Human Genetics Tuebingen
Classification: Uncertain significance. Last evaluated: 2025-11-01. Review status: criteria provided, single submitter. Criteria: CeGaT Center For Human Genetics Tuebingen Variant Classification Criteria Version 2. Collection method: clinical testing. Allele origin: germline. Affected: yes. Observed: 1 variant allele.
Comment: SAG: PM2, BP4

Labcorp Genetics (formerly Invitae), Labcorp
Classification: Uncertain significance. Last evaluated: 2025-03-10. Review status: criteria provided, single submitter. Criteria: Invitae Variant Classification Sherloc (09022015). Collection method: clinical testing. Allele origin: germline.
Comment: This sequence change replaces arginine, which is basic and polar, with tryptophan, which is neutral and slightly polar, at codon 91 of the SAG protein (p.Arg91Trp). This variant is present in population databases (rs779840799, gnomAD 0.05%). This variant has not been reported in the literature in individuals affected with SAG-related conditions. ClinVar contains an entry for this variant (Variation ID: 847049). Invitae Evidence Modeling of protein sequence and biophysical properties (such as structural, functional, and spatial information, amino acid conservation, physicochemical variation, residue mobility, and thermodynamic stability) indicates that this missense variant is not expected to disrupt SAG protein function with a negative predictive value of 80%. In summary, the available evidence is currently insufficient to determine the role of this variant in disease. Therefore, it has been classified as a Variant of Uncertain Significance.

PreventionGenetics, part of Exact Sciences
Classification: Uncertain significance for SAG-related condition. Last evaluated: 2024-10-17. Review status: criteria provided, single submitter. Criteria: ACMG Guidelines, 2015. Collection method: clinical testing. Allele origin: germline.
Comment: The SAG c.271C>T variant is predicted to result in the amino acid substitution p.Arg91Trp. To our knowledge, this variant has not been reported in the literature. This variant is reported in 0.049% of alleles in individuals of African descent in gnomAD. At this time, the clinical significance of this variant is uncertain due to the absence of conclusive functional and genetic evidence.

Blueprint Genetics
Classification: Likely benign. Last evaluated: 2024-07-04. Review status: criteria provided, single submitter. Criteria: ACMG Guidelines, 2015. Collection method: clinical testing. Allele origin: germline.

NM_000541.5(SAG):c.271C>T (p.Arg91Trp)

Gene: SAG (S-antigen visual arrestin; plus strand). Cytogenetic location: 2q37.1.
Variant type: single nucleotide variant.
Coding change: c.271C>T on transcript NM_000541.5 (MANE Select); coding-DNA position 271, C replaced by T.
Protein change: p.Arg91Trp; replaces arginine 91 with tryptophan.
Molecular consequence: missense variant.
Genome position (GRCh38, 1-based): chr2:233,320,719, C>T. VCF-style: chr2-233320719-C-T. GRCh37 (hg19) VCF-style: chr2-234229365-C-T.
Other names: short protein forms R91W.
Identifiers: ClinVar variation 847049 (VCV000847049.15), dbSNP rs779840799, ClinGen allele CA2174320.
Genomic context (GRCh38, chr2:233,320,719, plus strand): 5'-TATGGCCAAGAGGACATTGACGTGATCGGCTTGACCTTCCGCAGGGACCTGTACTTCTCC[C>T]GGGTCCAGGTGTATCCTCCTGTGGGGGCCGCGAGCACCCCCACAAAACTGCAAGAGAGCC-3'
Protein context (NP_000532.2, residues 81-101): LTFRRDLYFS[Arg91Trp]VQVYPPVGAA